The following is an entry in ClinVar:

ClinVar aggregate classification (germline): Uncertain significance (1 of 4 stars; one submission).

Conditions:
Epilepsy, familial adult myoclonic, 5 (EPEO5). Also called: CORTICAL MYOCLONIC TREMOR WITH EPILEPSY, FAMILIAL, 5. Identifiers: Orphanet 86814, MedGen C3809374, MONDO:0014167, OMIM 615400.

Allele frequency attached by ClinVar (database versions not stated): gnomAD 0.00001; gnomAD exomes 0.00002 and 0.00005; TOPMed 0.00002; ExAC 0.00003.
gnomAD v4.1: 35 of 1,614,018 alleles (0.0022%); highest among the groups gnomAD compares: Admixed American, 0.017%; no homozygotes.

Submission:

Labcorp Genetics (formerly Invitae), Labcorp
Classification: Uncertain significance for Epilepsy, familial adult myoclonic, 5. Last evaluated: 2022-05-05. Review status: criteria provided, single submitter. Criteria: Invitae Variant Classification Sherloc (09022015). Collection method: clinical testing. Allele origin: germline.
Comment: This sequence change replaces histidine, which is basic and polar, with arginine, which is basic and polar, at codon 559 of the CNTN2 protein (p.His559Arg). This variant is present in population databases (rs747131553, gnomAD 0.03%). This variant has not been reported in the literature in individuals affected with CNTN2-related conditions. ClinVar contains an entry for this variant (Variation ID: 1042295). Advanced modeling of protein sequence and biophysical properties (such as structural, functional, and spatial information, amino acid conservation, physicochemical variation, residue mobility, and thermodynamic stability) performed at Invitae indicates that this missense variant is not expected to disrupt CNTN2 protein function. In summary, the available evidence is currently insufficient to determine the role of this variant in disease. Therefore, it has been classified as a Variant of Uncertain Significance.

NM_005076.5(CNTN2):c.1676A>G (p.His559Arg)

Gene: CNTN2 (contactin 2; plus strand). Cytogenetic location: 1q32.1.
Variant type: single nucleotide variant.
Coding change: c.1676A>G on transcript NM_005076.5 (MANE Select); coding-DNA position 1676, A replaced by G.
Protein change: p.His559Arg; replaces histidine 559 with arginine.
Molecular consequence: missense variant. On other transcripts: non-coding transcript variant (1).
Genome position (GRCh38, 1-based): chr1:205,065,243, A>G. VCF-style: chr1-205065243-A-G. GRCh37 (hg19) VCF-style: chr1-205034371-A-G.
Other names: c.1676A>G, p.His559Arg (NM_001346083.2); short protein forms H559R.
Identifiers: ClinVar variation 1042295 (VCV001042295.6), dbSNP rs747131553, ClinGen allele CA1351441.